The following is an entry in ClinVar:

ClinVar aggregate classification (germline): Uncertain significance (1 of 4 stars; one submission).

Submission:

Labcorp Genetics (formerly Invitae), Labcorp
Classification: Uncertain significance. Last evaluated: 2019-12-08. Review status: criteria provided, single submitter. Criteria: Invitae Variant Classification Sherloc (09022015). Collection method: clinical testing. Allele origin: germline.
Comment: In summary, the available evidence is currently insufficient to determine the role of this variant in disease. Therefore, it has been classified as a Variant of Uncertain Significance. Algorithms developed to predict the effect of missense changes on protein structure and function (SIFT, PolyPhen-2, Align-GVGD) all suggest that this variant is likely to be tolerated, but these predictions have not been confirmed by published functional studies and their clinical significance is uncertain. This variant has not been reported in the literature in individuals with MTOR-related conditions. This variant is not present in population databases (ExAC no frequency). This sequence change replaces isoleucine with threonine at codon 903 of the MTOR protein (p.Ile903Thr). The isoleucine residue is highly conserved and there is a moderate physicochemical difference between isoleucine and threonine.

NM_004958.4(MTOR):c.2708T>C (p.Ile903Thr)

Gene: MTOR (mechanistic target of rapamycin kinase; minus strand). Cytogenetic location: 1p36.22.
Variant type: single nucleotide variant.
Coding change: c.2708T>C on transcript NM_004958.4 (MANE Select); coding-DNA position 2708, T replaced by C.
Protein change: p.Ile903Thr; replaces isoleucine 903 with threonine.
Molecular consequence: missense variant.
Genome position (GRCh38, 1-based): chr1:11,230,996, A>G on the plus strand (T>C on the coding strand, the complement: MTOR is on the minus strand). VCF-style: chr1-11230996-A-G. GRCh37 (hg19) VCF-style: chr1-11291053-A-G.
Other names: short protein forms I903T.
Identifiers: ClinVar variation 839614 (VCV000839614.9), dbSNP rs1646997420, ClinGen allele CA338381012.